The following is an entry in ClinVar:

NM_014363.6(SACS):c.1807A>G (p.Lys603Glu)

Gene: SACS (sacsin molecular chaperone; minus strand). Cytogenetic location: 13q12.12.
Variant type: single nucleotide variant.
Coding change: c.1807A>G on transcript NM_014363.6 (MANE Select); coding-DNA position 1807, A replaced by G.
Protein change: p.Lys603Glu; replaces lysine 603 with glutamic acid.
Molecular consequence: missense variant.
Genome position (GRCh38, 1-based): chr13:23,354,805, T>C on the plus strand (A>G on the coding strand, the complement: SACS is on the minus strand). VCF-style: chr13-23354805-T-C. GRCh37 (hg19) VCF-style: chr13-23928944-T-C.
Other names: c.1366A>G, p.Lys456Glu (NM_001278055.2); short protein forms K456E, K603E.
Identifiers: ClinVar variation 1377662 (VCV001377662.8), dbSNP rs983822008, ClinGen allele CA387546381.

ClinVar aggregate classification (germline): Uncertain significance (1 of 4 stars; one submission).

Conditions:
Spastic paraplegia. Identifiers: MedGen C0037772, HP:0001258.

Submission:

Labcorp Genetics (formerly Invitae), Labcorp
Classification: Uncertain significance for Spastic paraplegia. Last evaluated: 2021-03-23. Review status: criteria provided, single submitter. Criteria: Invitae Variant Classification Sherloc (09022015). Collection method: clinical testing. Allele origin: germline.
Comment: This sequence change replaces lysine with glutamic acid at codon 603 of the SACS protein (p.Lys603Glu). The lysine residue is moderately conserved and there is a small physicochemical difference between lysine and glutamic acid. This variant is not present in population databases (ExAC no frequency). This variant has not been reported in the literature in individuals with SACS-related conditions. Advanced modeling of protein sequence and biophysical properties (such as structural, functional, and spatial information, amino acid conservation, physicochemical variation, residue mobility, and thermodynamic stability) performed at Invitae indicates that this missense variant is not expected to disrupt SACS protein function. In summary, the available evidence is currently insufficient to determine the role of this variant in disease. Therefore, it has been classified as a Variant of Uncertain Significance.